The following is an entry in ClinVar:

ClinVar aggregate classification (germline): Benign. Review status: criteria provided, multiple submitters, no conflicts (2 of 4 stars). 2 submissions from 2 submitters: Benign (2). Last evaluated 2018-06-13.

Allele frequency attached by ClinVar (database versions not stated): gnomAD exomes 0.00393; gnomAD 0.03569 and 0.03831; 1000 Genomes Project 30x 0.04091.
gnomAD v4.1: 9,420 of 1,150,856 alleles (0.82%); highest among the groups gnomAD compares: African/African-American, 12%; 279 homozygotes.

Submissions (2):

GeneDx
Classification: Benign. Last evaluated: 2018-06-13. Review status: criteria provided, single submitter. Criteria: GeneDx Variant Classification (06012015). Collection method: clinical testing. Allele origin: germline. Affected: yes.
Comment: This variant is considered likely benign or benign based on one or more of the following criteria: it is a conservative change, it occurs at a poorly conserved position in the protein, it is predicted to be benign by multiple in silico algorithms, and/or has population frequency not consistent with disease.

Breakthrough Genomics
Classification: Benign. Review status: criteria provided, single submitter. Criteria: ACMG Guidelines, 2015. Collection method: not provided. Allele origin: germline. Inheritance: Autosomal recessive inheritance. Affected: yes.

NM_144672.4(OTOA):c.3350-80C>T

Gene: OTOA (otoancorin). Cytogenetic location: 16p12.2.
Variant type: single nucleotide variant.
Coding change: c.3350-80C>T on transcript NM_144672.4 (MANE Select); 80 bases into the intron before coding-DNA position 3350, C replaced by T.
Molecular consequence: intron variant.
Genome position (GRCh38, 1-based): chr16:21,760,390, C>T. VCF-style: chr16-21760390-C-T. GRCh37 (hg19) VCF-style: chr16-21771711-C-T.
Other names: c.3113-80C>T (NM_001161683.2); c.2378-80C>T (NM_170664.3).
Identifiers: ClinVar variation 683286 (VCV000683286.2), dbSNP rs149729555, ClinGen allele CA279397234.